The following is an entry in ClinVar:

ClinVar aggregate classification (germline): Likely benign. Review status: criteria provided, single submitter (1 of 4 stars). 2 submissions from 2 submitters: Likely benign (1). 1 of the submissions does not count toward it. Last evaluated 2025-04-03.

Conditions:
Inborn genetic diseases. Identifiers: MedGen C0950123, MeSH D030342.
DNMT3A-related disorder. Also called: DNMT3A-related condition; DNMT3A-related disorders.

gnomAD v4.1: 1 of 1,614,180 alleles (0.000062%); highest among the groups gnomAD compares: Non-Finnish European, 0.000085%; no homozygotes.

Submissions (2):

Ambry Genetics
Classification: Likely benign for Inborn genetic diseases. Last evaluated: 2025-04-03. Review status: criteria provided, single submitter. Criteria: Ambry Variant Classification Scheme 2023. Collection method: clinical testing. Allele origin: germline.

PreventionGenetics, part of Exact Sciences
Classification: Likely benign for DNMT3A-related condition. Last evaluated: 2024-08-20. Review status: no assertion criteria provided. Collection method: clinical testing. Allele origin: germline. Not counted in ClinVar's aggregate classification.
Comment: This variant is classified as likely benign based on ACMG/AMP sequence variant interpretation guidelines (Richards et al. 2015 PMID: 25741868, with internal and published modifications).

NM_022552.5(DNMT3A):c.1440G>A (p.Val480=)

Gene: DNMT3A (DNA methyltransferase 3 alpha; minus strand). Cytogenetic location: 2p23.3.
Variant type: single nucleotide variant.
Coding change: c.1440G>A on transcript NM_022552.5 (MANE Select); coding-DNA position 1440, G replaced by A.
Protein change: p.Val480=; no amino-acid change (valine 480 retained).
Molecular consequence: synonymous variant. On other transcripts: non-coding transcript variant (1).
Genome position (GRCh38, 1-based): chr2:25,246,054, C>T on the plus strand (G>A on the coding strand, the complement: DNMT3A is on the minus strand). VCF-style: chr2-25246054-C-T. GRCh37 (hg19) VCF-style: chr2-25468923-C-T.
Other names: c.984G>A, p.Val328= (NM_001320893.1); c.771G>A, p.Val257= (NM_001375819.1); c.873G>A, p.Val291= (NM_153759.3); c.1440G>A, p.Val480= (NM_175629.2); c.1440G>A (NM_022552.3).
Identifiers: ClinVar variation 3347984 (VCV003347984.2).